The following is an entry in ClinVar:

ClinVar aggregate classification (germline): Pathogenic (1 of 4 stars; one submission).

Submission:

Labcorp Genetics (formerly Invitae), Labcorp
Classification: Pathogenic. Last evaluated: 2020-08-14. Review status: criteria provided, single submitter. Criteria: Invitae Variant Classification Sherloc (09022015). Collection method: clinical testing. Allele origin: germline.
Comment: For these reasons, this variant has been classified as Pathogenic. This variant disrupts the C-terminus of the FAM20A protein. Other variant(s) that disrupt this region (p.Leu495Asnfs*15) have been determined to be pathogenic (PMID: 23434854). This suggests that variants that disrupt this region of the protein are likely to be causative of disease. This variant has not been reported in the literature in individuals with FAM20A-related conditions. This variant is not present in population databases (ExAC no frequency). This sequence change results in a premature translational stop signal in the FAM20A gene (p.Thr459Hisfs*18). While this is not anticipated to result in nonsense mediated decay, it is expected to disrupt the last 83 amino acids of the FAM20A protein.

Literature cited by the submitters: PubMed 23434854.

NM_017565.4(FAM20A):c.1371del (p.Thr459fs)

Genes: FAM20A (FAM20A golgi associated secretory pathway pseudokinase; minus strand), PRKAR1A (protein kinase cAMP-dependent type I regulatory subunit alpha; plus strand). Cytogenetic location: 17q24.2.
Variant type: Deletion.
Coding change: c.1371del on transcript NM_017565.4 (MANE Select); coding-DNA position 1371, one base deleted (G; older notation c.1371delG).
Protein change: p.Thr459fs; shifts the reading frame from threonine 459.
Molecular consequence: frameshift variant. On other transcripts: non-coding transcript variant (1), intron variant (1).
Genome position (GRCh38, 1-based): chr17:68,537,732, C deleted on the plus strand (G on the coding strand, the reverse complement: FAM20A is on the minus strand). VCF-style (leftmost placement, unchanged base first): chr17-68537731-TC-T. GRCh37 (hg19) VCF-style: chr17-66533872-TC-T.
Other names: c.957del, p.Thr321fs (NM_001243746.2); c.973+7731del (NM_001276290.1); short protein forms T321fs, T459fs.
Identifiers: ClinVar variation 1074068 (VCV001074068.9), dbSNP rs2143442272, ClinGen allele CA2499224884.